The following is an entry in ClinVar:

ClinVar aggregate classification (germline): Uncertain significance. Review status: criteria provided, multiple submitters, no conflicts (2 of 4 stars). 2 submissions from 2 submitters: Uncertain significance (2). Last evaluated 2024-04-25.

Conditions:
Propionic acidemia (PROP). Also called: GLYCINEMIA, KETOTIC; HYPERGLYCINEMIA WITH KETOACIDOSIS AND LEUKOPENIA; KETOTIC HYPERGLYCINEMIA. Identifiers: Orphanet 35, MedGen C0268579, MONDO:0011628, OMIM 606054, HP:0003571.

gnomAD v4.1: 2 of 1,613,118 alleles (0.00012%); highest among the groups gnomAD compares: Admixed American, 0.0033%; no homozygotes.

Submissions (2):

Women's Health and Genetics/Laboratory Corporation of America, LabCorp
Classification: Uncertain significance. Last evaluated: 2024-04-25. Review status: criteria provided, single submitter. Criteria: LabCorp Variant Classification Summary - May 2015. Collection method: clinical testing. Allele origin: germline.
Comment: Variant summary: PCCB c.1402G>T (p.Ala468Ser) results in a conservative amino acid change located in the Acetyl-coenzyme A carboxyltransferase, C-terminal domain (IPR011763) of the encoded protein sequence. Three of five in-silico tools predict a damaging effect of the variant on protein function. The variant allele was found at a frequency of 1.2e-05 in 251050 control chromosomes. The available data on variant occurrences in the general population are insufficient to allow any conclusion about variant significance. To our knowledge, no occurrence of c.1402G>T in individuals affected with Propionic Acidemia and no experimental evidence demonstrating its impact on protein function have been reported. ClinVar contains an entry for this variant (Variation ID: 2193457). Based on the evidence outlined above, the variant was classified as uncertain significance.

Labcorp Genetics (formerly Invitae), Labcorp
Classification: Uncertain significance for Propionic acidemia. Last evaluated: 2022-08-05. Review status: criteria provided, single submitter. Criteria: Invitae Variant Classification Sherloc (09022015). Collection method: clinical testing. Allele origin: germline.
Comment: This sequence change replaces alanine, which is neutral and non-polar, with serine, which is neutral and polar, at codon 468 of the PCCB protein (p.Ala468Ser). This variant is present in population databases (rs775563122, gnomAD 0.006%). This variant has not been reported in the literature in individuals affected with PCCB-related conditions. Algorithms developed to predict the effect of missense changes on protein structure and function (SIFT, PolyPhen-2, Align-GVGD) all suggest that this variant is likely to be disruptive. In summary, the available evidence is currently insufficient to determine the role of this variant in disease. Therefore, it has been classified as a Variant of Uncertain Significance.

NM_000532.5(PCCB):c.1402G>T (p.Ala468Ser)

Gene: PCCB (propionyl-CoA carboxylase subunit beta; plus strand). Cytogenetic location: 3q22.3.
Variant type: single nucleotide variant.
Coding change: c.1402G>T on transcript NM_000532.5 (MANE Select); coding-DNA position 1402, G replaced by T.
Protein change: p.Ala468Ser; replaces alanine 468 with serine.
Molecular consequence: missense variant.
Genome position (GRCh38, 1-based): chr3:136,328,761, G>T. VCF-style: chr3-136328761-G-T. GRCh37 (hg19) VCF-style: chr3-136047603-G-T.
Other names: c.1462G>T, p.Ala488Ser (NM_001178014.2); short protein forms A468S, A488S.
Identifiers: ClinVar variation 2193457 (VCV002193457.2), dbSNP rs775563122, ClinGen allele CA2632184.
Genomic context (GRCh38, chr3:136,328,761, plus strand): 5'-AGGAGATCTGTCCAGGTTGGGACGACCAAAGATGTTCATGAACTCCTCTAATCACAGGGC[G>T]CTGTGGAGATCATCTTCAAAGGGCATGAGAATGTGGAAGCTGCTCAGGCAGAGTACATCG-3'
Protein context (NP_000523.2, residues 458-478): AEIAVMGAKG[Ala468Ser]VEIIFKGHEN